The following is an entry in ClinVar:

NM_001127644.2(GABRA1):c.166C>T (p.Arg56Cys)

Gene: GABRA1 (gamma-aminobutyric acid type A receptor subunit alpha1; plus strand). Cytogenetic location: 5q34.
Variant type: single nucleotide variant.
Coding change: c.166C>T on transcript NM_001127644.2 (MANE Select); coding-DNA position 166, C replaced by T.
Protein change: p.Arg56Cys; replaces arginine 56 with cysteine.
Molecular consequence: missense variant.
Genome position (GRCh38, 1-based): chr5:161,854,249, C>T. VCF-style: chr5-161854249-C-T. GRCh37 (hg19) VCF-style: chr5-161281255-C-T.
Other names: c.166C>T, p.Arg56Cys (NM_000806.5, NM_001127643.2, NM_001127645.2 and 1 more transcripts); short protein forms R56C.
Identifiers: ClinVar variation 3518166 (VCV003518166.3).

ClinVar aggregate classification (germline): Conflicting classifications of pathogenicity. Review status: criteria provided, conflicting classifications (1 of 4 stars). 3 submissions from 3 submitters: Likely pathogenic (2); Uncertain significance (1). Last evaluated 2025-05-14.

Conditions:
GABRA1-related disorder. Also called: GABRA1-related condition.
Inborn genetic diseases. Identifiers: MedGen C0950123, MeSH D030342.

Submissions (3):

PreventionGenetics, part of Exact Sciences
Classification: Uncertain significance for GABRA1-related condition. Last evaluated: 2025-05-14. Review status: criteria provided, single submitter. Criteria: ACMG Guidelines, 2015. Collection method: clinical testing. Allele origin: germline.
Comment: The GABRA1 c.166C>T variant is predicted to result in the amino acid substitution p.Arg56Cys. To our knowledge, this variant has not been reported in the literature or in a large population database (gnomAD), indicating this variant is rare. At this time, the clinical significance of this variant is uncertain due to the absence of conclusive functional and genetic evidence.

GeneDx
Classification: Likely pathogenic. Last evaluated: 2024-12-26. Review status: criteria provided, single submitter. Criteria: GeneDx Variant Classification Process June 2021. Collection method: clinical testing. Allele origin: germline. Affected: yes.
Comment: Not observed in large population cohorts (gnomAD); In silico analysis supports that this missense variant has a deleterious effect on protein structure/function; Has not been previously published as pathogenic or benign to our knowledge

Ambry Genetics
Classification: Likely pathogenic for Inborn genetic diseases. Last evaluated: 2024-08-16. Review status: criteria provided, single submitter. Criteria: Ambry Variant Classification Scheme 2023. Collection method: clinical testing. Allele origin: germline.
Comment: The c.166C>T (p.R56C) alteration is located in exon 4 (coding exon 2) of the GABRA1 gene. This alteration results from a C to T substitution at nucleotide position 166, causing the arginine (R) at amino acid position 56 to be replaced by a cysteine (C). This variant was not reported in population-based cohorts in the Genome Aggregation Database (gnomAD). This amino acid position is highly conserved in available vertebrate species. This missense alteration is located in a region that has a low rate of benign missense variation (Lek, 2016; Firth, 2009). This alteration is predicted to be deleterious by in silico analysis. Based on the available evidence, this alteration is classified as likely pathogenic.